The following is an entry in ClinVar:

ClinVar aggregate classification (germline): Benign. Review status: criteria provided, multiple submitters, no conflicts (2 of 4 stars). 3 submissions from 3 submitters: Benign (3). Last evaluated 2019-02-24.

Conditions:
Fanconi anemia complementation group P. Also called: SLX4-Related Fanconi Anemia. Identifiers: Orphanet 84, MedGen C3469542, MONDO:0013499, OMIM 613951.

Allele frequency attached by ClinVar (database versions not stated): 1000 Genomes Project 0.08347; 1000 Genomes Project 30x 0.08542; gnomAD 0.09336; TOPMed 0.09357.
gnomAD v4.1: 20,147 of 254,302 alleles (7.9%); highest among the groups gnomAD compares: African/African-American, 14%; 978 homozygotes.

Submissions (3):

GeneDx
Classification: Benign. Last evaluated: 2019-02-24. Review status: criteria provided, single submitter. Criteria: GeneDx Variant Classification Process June 2021. Collection method: clinical testing. Allele origin: germline. Affected: yes.

Illumina Laboratory Services, Illumina
Classification: Benign for Fanconi anemia complementation group P. Last evaluated: 2018-01-13. Review status: criteria provided, single submitter. Criteria: ICSL Variant Classification Criteria 13 December 2019. Collection method: clinical testing. Allele origin: germline.
Comment: This variant was observed in the ICSL laboratory as part of a predisposition screen in an ostensibly healthy population. It had not been previously curated by ICSL or reported in the Human Gene Mutation Database (HGMD: prior to June 1st, 2018), and was therefore a candidate for classification through an automated scoring system. Utilizing variant allele frequency, disease prevalence and penetrance estimates, and inheritance mode, an automated score was calculated to assess if this variant is too frequent to cause the disease. Based on the score and internal cut-off values, a variant classified as benign is not then subjected to further curation. The score for this variant resulted in a classification of benign for this disease.

Breakthrough Genomics
Classification: Benign. Review status: criteria provided, single submitter. Criteria: ACMG Guidelines, 2015. Collection method: not provided. Allele origin: germline. Inheritance: Autosomal recessive inheritance. Affected: yes.

NM_032444.4(SLX4):c.-359C>G

Gene: SLX4 (SLX4 structure-specific endonuclease subunit; minus strand). Cytogenetic location: 16p13.3.
Variant type: single nucleotide variant.
Coding change: c.-359C>G on transcript NM_032444.4 (MANE Select); 359 bases upstream of the start codon, C replaced by G.
Molecular consequence: 5 prime UTR variant.
Genome position (GRCh38, 1-based): chr16:3,609,323, G>C on the plus strand (C>G on the coding strand, the complement: SLX4 is on the minus strand). VCF-style: chr16-3609323-G-C. GRCh37 (hg19) VCF-style: chr16-3659324-G-C.
Other names: c.-359C>G (LRG_503t1).
Identifiers: ClinVar variation 319200 (VCV000319200.8), dbSNP rs57910835, ClinGen allele CA10647465.